The following is an entry in ClinVar:

ClinVar aggregate classification (germline): Pathogenic (1 of 4 stars; one submission).

Conditions:
Glycogen storage disease IXa1. Also called: Glycogen storage disease 8; LIVER GLYCOGENOSIS, X-LINKED, TYPE I; GLYCOGEN STORAGE DISEASE VIII; GSD VIII. Identifiers: Orphanet 264580, MedGen C3694531, MONDO:0010598, OMIM 306000.

Submission:

Labcorp Genetics (formerly Invitae), Labcorp
Classification: Pathogenic for Glycogen storage disease IXa1. Last evaluated: 2018-06-19. Review status: criteria provided, single submitter. Criteria: Invitae Variant Classification Sherloc (09022015). Collection method: clinical testing. Allele origin: germline.
Comment: This sequence change creates a premature translational stop signal (p.Leu822Argfs*92) in the PHKA2 gene. It is expected to result in an absent or disrupted protein product. This variant is not present in population databases (ExAC no frequency). This variant has not been reported in the literature in individuals with PHKA2-related disease. Loss-of-function variants in PHKA2 are known to be pathogenic (PMID: 7711737, 10330341). For these reasons, this variant has been classified as Pathogenic.

Literature cited by the submitters: PubMed 7711737; PubMed 10330341.

NM_000292.3(PHKA2):c.2465del (p.Leu822fs)

Gene: PHKA2 (phosphorylase kinase regulatory subunit alpha 2; minus strand). Cytogenetic location: Xp22.13.
Variant type: Deletion.
Coding change: c.2465del on transcript NM_000292.3 (MANE Select); coding-DNA position 2465, one base deleted (T; older notation c.2465delT).
Protein change: p.Leu822fs; shifts the reading frame from leucine 822.
Molecular consequence: frameshift variant.
Genome position (GRCh38, 1-based): chrX:18,907,952, A deleted on the plus strand (T on the coding strand, the reverse complement: PHKA2 is on the minus strand). VCF-style (leftmost placement, unchanged base first): chrX-18907951-CA-C. GRCh37 (hg19) VCF-style: chrX-18926069-CA-C.
Other names: short protein forms L822fs.
Identifiers: ClinVar variation 578458 (VCV000578458.2), dbSNP rs1569298646, ClinGen allele CA891843577.